The following is an entry in ClinVar:

NM_206933.4(USH2A):c.10259T>C (p.Phe3420Ser)

Gene: USH2A (usherin; minus strand). Cytogenetic location: 1q41.
Variant type: single nucleotide variant.
Coding change: c.10259T>C on transcript NM_206933.4 (MANE Select); coding-DNA position 10259, T replaced by C.
Protein change: p.Phe3420Ser; replaces phenylalanine 3420 with serine.
Molecular consequence: missense variant.
Genome position (GRCh38, 1-based): chr1:215,786,798, A>G on the plus strand (T>C on the coding strand, the complement: USH2A is on the minus strand). VCF-style: chr1-215786798-A-G. GRCh37 (hg19) VCF-style: chr1-215960140-A-G.
Other names: short protein forms F3420S.
Identifiers: ClinVar variation 2175965 (VCV002175965.2), dbSNP rs765479672, ClinGen allele CA1394071.
Genomic context (GRCh38, chr1:215,786,798, plus strand): 5'-ATTGATGCCTTCCCTGTGGAATTGTGAGACCCTCTTATCACAGTGCAAATGTGGCTGGTA[A>G]AGTTGAAGTCACACCTGCCACAATGTTCTGTGGCTTCCATAGATGCTGGGCAGAGGATCC-3'
Protein context (NP_996816.3, residues 3410-3430): TEHCGRCDFN[Phe3420Ser]TSHICTVIRG

ClinVar aggregate classification (germline): Uncertain significance. Review status: criteria provided, multiple submitters, no conflicts (2 of 4 stars). 2 submissions from 2 submitters: Uncertain significance (2). Last evaluated 2024-07-16.

Allele frequency attached by ClinVar (database versions not stated): ExAC 0.00002; TOPMed 0.00003; gnomAD 0.00004; gnomAD exomes 0.00004.
gnomAD v4.1: 61 of 1,613,438 alleles (0.0038%); highest among the groups gnomAD compares: Non-Finnish European, 0.0047%; no homozygotes.

Submissions (2):

Blueprint Genetics
Classification: Uncertain significance. Last evaluated: 2024-07-16. Review status: criteria provided, single submitter. Criteria: ACMG Guidelines, 2015. Collection method: clinical testing. Allele origin: germline.

Labcorp Genetics (formerly Invitae), Labcorp
Classification: Uncertain significance. Last evaluated: 2022-10-13. Review status: criteria provided, single submitter. Criteria: Invitae Variant Classification Sherloc (09022015). Collection method: clinical testing. Allele origin: germline.
Comment: This sequence change replaces phenylalanine, which is neutral and non-polar, with serine, which is neutral and polar, at codon 3420 of the USH2A protein (p.Phe3420Ser). This variant is present in population databases (rs765479672, gnomAD 0.006%). This variant has not been reported in the literature in individuals affected with USH2A-related conditions. Advanced modeling of protein sequence and biophysical properties (such as structural, functional, and spatial information, amino acid conservation, physicochemical variation, residue mobility, and thermodynamic stability) performed at Invitae indicates that this missense variant is not expected to disrupt USH2A protein function. In summary, the available evidence is currently insufficient to determine the role of this variant in disease. Therefore, it has been classified as a Variant of Uncertain Significance.